The following is an entry in ClinVar:

ClinVar aggregate classification (germline): Uncertain significance (1 of 4 stars; one submission).

Conditions:
Leber congenital amaurosis 2 (LCA2). Also called: AMAUROSIS CONGENITA OF LEBER II; Autosomal Recessive RPE65-Related Retinal Degeneration. Identifiers: Orphanet 65, MedGen C1859844, MONDO:0008765, OMIM 204100. Disease mechanism: loss of function.
Retinitis pigmentosa 20 (RP20). Identifiers: Orphanet 791, MedGen C3151086, MONDO:0013425, OMIM 613794.

Submission:

Labcorp Genetics (formerly Invitae), Labcorp
Classification: Uncertain significance for Leber congenital amaurosis 2; Retinitis pigmentosa 20. Last evaluated: 2023-12-13. Review status: criteria provided, single submitter. Criteria: Invitae Variant Classification Sherloc (09022015). Collection method: clinical testing. Allele origin: germline.
Comment: This sequence change replaces leucine, which is neutral and non-polar, with phenylalanine, which is neutral and non-polar, at codon 383 of the RPE65 protein (p.Leu383Phe). This variant is not present in population databases (gnomAD no frequency). This variant has not been reported in the literature in individuals affected with RPE65-related conditions. Advanced modeling of protein sequence and biophysical properties (such as structural, functional, and spatial information, amino acid conservation, physicochemical variation, residue mobility, and thermodynamic stability) has been performed at Invitae for this missense variant, however the output from this modeling did not meet the statistical confidence thresholds required to predict the impact of this variant on RPE65 protein function. In summary, the available evidence is currently insufficient to determine the role of this variant in disease. Therefore, it has been classified as a Variant of Uncertain Significance.

NM_000329.3(RPE65):c.1149A>T (p.Leu383Phe)

Gene: RPE65 (retinoid isomerohydrolase RPE65; minus strand). Cytogenetic location: 1p31.3.
Variant type: single nucleotide variant.
Coding change: c.1149A>T on transcript NM_000329.3 (MANE Select); coding-DNA position 1149, A replaced by T.
Protein change: p.Leu383Phe; replaces leucine 383 with phenylalanine.
Molecular consequence: missense variant.
Genome position (GRCh38, 1-based): chr1:68,431,565, T>A on the plus strand (A>T on the coding strand, the complement: RPE65 is on the minus strand). VCF-style: chr1-68431565-T-A. GRCh37 (hg19) VCF-style: chr1-68897248-T-A.
Other names: c.1041A>T, p.Leu347Phe (NM_001406853.1); c.873A>T, p.Leu291Phe (NM_001406856.1, NM_001406857.1); short protein forms L383F, L291F, L347F.
Identifiers: ClinVar variation 2921363 (VCV002921363.3), dbSNP rs2100808067, ClinGen allele CA340743396.